The following is an entry in ClinVar:

ClinVar aggregate classification (germline): Uncertain significance (1 of 4 stars; one submission).

Conditions:
Familial cold autoinflammatory syndrome 3 (FCAS3). Also called: ANTIBODY DEFICIENCY AND IMMUNE DYSREGULATION, PLCG2-ASSOCIATED; FAMILIAL ATYPICAL COLD URTICARIA. Identifiers: Orphanet 300359, MedGen C3280914, MONDO:0013766, OMIM 614468.

gnomAD v4.1: 3 of 1,613,774 alleles (0.00019%); highest among the groups gnomAD compares: Admixed American, 0.0017%; no homozygotes.

Submission:

Labcorp Genetics (formerly Invitae), Labcorp
Classification: Uncertain significance for Familial cold autoinflammatory syndrome 3. Last evaluated: 2025-10-08. Review status: criteria provided, single submitter. Criteria: Invitae Variant Classification Sherloc (09022015). Collection method: clinical testing. Allele origin: germline.
Comment: This sequence change replaces glycine, which is neutral and non-polar, with alanine, which is neutral and non-polar, at codon 556 of the PLCG2 protein (p.Gly556Ala). This variant is not present in population databases (gnomAD no frequency). This variant has not been reported in the literature in individuals affected with PLCG2-related conditions. An algorithm developed to predict the effect of missense changes on protein structure and function outputs the following: PolyPhen-2: "Benign". The alanine amino acid residue is found in multiple mammalian species, which suggests that this missense change does not adversely affect protein function. In summary, the available evidence is currently insufficient to determine the role of this variant in disease. Therefore, it has been classified as a Variant of Uncertain Significance.

NM_002661.5(PLCG2):c.1667G>C (p.Gly556Ala)

Gene: PLCG2 (phospholipase C gamma 2; plus strand). Cytogenetic location: 16q23.3.
Variant type: single nucleotide variant.
Coding change: c.1667G>C on transcript NM_002661.5 (MANE Select); coding-DNA position 1667, G replaced by C.
Protein change: p.Gly556Ala; replaces glycine 556 with alanine.
Molecular consequence: missense variant.
Genome position (GRCh38, 1-based): chr16:81,908,525, G>C. VCF-style: chr16-81908525-G-C. GRCh37 (hg19) VCF-style: chr16-81942130-G-C.
Other names: c.1667G>C, p.Gly556Ala (NM_001425749.1, NM_001425750.1, NM_001425751.1); short protein forms G556A.
Identifiers: ClinVar variation 4761416 (VCV004761416.1).